The following is an entry in ClinVar:

NM_004370.6(COL12A1):c.391C>T (p.Gln131Ter)

Gene: COL12A1 (collagen type XII alpha 1 chain; minus strand). Cytogenetic location: 6q13.
Variant type: single nucleotide variant.
Coding change: c.391C>T on transcript NM_004370.6 (MANE Select); coding-DNA position 391, C replaced by T.
Protein change: p.Gln131Ter; replaces glutamine 131 with a stop codon.
Molecular consequence: nonsense. On other transcripts: intron variant (1).
Genome position (GRCh38, 1-based): chr6:75,191,704, G>A on the plus strand (C>T on the coding strand, the complement: COL12A1 is on the minus strand). VCF-style: chr6-75191704-G-A. GRCh37 (hg19) VCF-style: chr6-75901420-G-A.
Other names: c.73+11016C>T (NM_080645.3); short protein forms Q131*.
Identifiers: ClinVar variation 2113798 (VCV002113798.4), dbSNP rs1407188736, ClinGen allele CA364729848.

ClinVar aggregate classification (germline): Uncertain significance (1 of 4 stars; one submission).

Conditions:
Ullrich congenital muscular dystrophy 2 (UCMD2). Identifiers: Orphanet 75840, MedGen C4225314, MONDO:0014654, OMIM 616470.
Bethlem myopathy 2 (BTHLM2). Identifiers: Orphanet 536516, Orphanet 610, MedGen C4225313, MONDO:0034022, OMIM 616471.

Submission:

Labcorp Genetics (formerly Invitae), Labcorp
Classification: Uncertain significance for Bethlem myopathy 2; Ullrich congenital muscular dystrophy 2. Last evaluated: 2022-11-22. Review status: criteria provided, single submitter. Criteria: Invitae Variant Classification Sherloc (09022015). Collection method: clinical testing. Allele origin: germline.
Comment: In summary, the available evidence is currently insufficient to determine the role of this variant in disease. Therefore, it has been classified as a Variant of Uncertain Significance. Experimental studies and prediction algorithms are not available or were not evaluated, and the functional significance of this variant is currently unknown. This variant has not been reported in the literature in individuals affected with COL12A1-related conditions. This variant is not present in population databases (gnomAD no frequency). This sequence change creates a premature translational stop signal (p.Gln131*) in the COL12A1 gene. Multiple COL12A1 isoforms have been reported, and the functional impact of this variant is uncertain (PMID: 8601036).

Literature cited by the submitters: PubMed 8601036.